The following is an entry in ClinVar:

NM_001329943.3(KIAA0586):c.2860G>T (p.Gly954Trp)

Gene: KIAA0586 (KIAA0586; plus strand). Cytogenetic location: 14q23.1.
Variant type: single nucleotide variant.
Coding change: c.2860G>T on transcript NM_001329943.3 (MANE Select); coding-DNA position 2860, G replaced by T.
Protein change: p.Gly954Trp; replaces glycine 954 with tryptophan.
Molecular consequence: missense variant.
Genome position (GRCh38, 1-based): chr14:58,477,157, G>T. VCF-style: chr14-58477157-G-T. GRCh37 (hg19) VCF-style: chr14-58943875-G-T.
Other names: c.3019G>T, p.Gly1007Trp (NM_001244189.2); c.2815G>T, p.Gly939Trp (NM_001244190.2); c.2605G>T, p.Gly869Trp (NM_001244191.2, NM_001329945.2, NM_001364700.1 and 1 more transcripts); c.2728G>T, p.Gly910Trp (NM_001244192.2); c.2440G>T, p.Gly814Trp (NM_001244193.2); c.2860G>T, p.Gly954Trp (NM_001329944.2, NM_001329946.2, NM_001329947.2); c.2632G>T, p.Gly878Trp (NM_014749.5); short protein forms G1007W, G814W, G869W, G878W, G910W, G939W, G954W.
Identifiers: ClinVar variation 1713981 (VCV001713981.5), dbSNP rs2543417201, ClinGen allele CA389878818.

ClinVar aggregate classification (germline): Uncertain significance (1 of 4 stars; one submission).

Conditions:
Short-rib thoracic dysplasia 14 with polydactyly (SRTD14). Identifiers: Orphanet 397715, MedGen C4225286, MONDO:0014688, OMIM 616546.
Joubert syndrome 23 (JBTS23). Identifiers: Orphanet 475, MedGen C4084822, MONDO:0014664, OMIM 616490.

Submission:

Labcorp Genetics (formerly Invitae), Labcorp
Classification: Uncertain significance for Joubert syndrome 23; Short-rib thoracic dysplasia 14 with polydactyly. Last evaluated: 2022-07-27. Review status: criteria provided, single submitter. Criteria: Invitae Variant Classification Sherloc (09022015). Collection method: clinical testing. Allele origin: germline.
Comment: Algorithms developed to predict the effect of sequence changes on RNA splicing suggest that this variant may create or strengthen a splice site. In summary, the available evidence is currently insufficient to determine the role of this variant in disease. Therefore, it has been classified as a Variant of Uncertain Significance. Algorithms developed to predict the effect of missense changes on protein structure and function are either unavailable or do not agree on the potential impact of this missense change (SIFT: "Deleterious"; PolyPhen-2: "Probably Damaging"; Align-GVGD: "Class C0"). This variant has not been reported in the literature in individuals affected with KIAA0586-related conditions. This variant is not present in population databases (gnomAD no frequency). This sequence change replaces glycine, which is neutral and non-polar, with tryptophan, which is neutral and slightly polar, at codon 1007 of the KIAA0586 protein (p.Gly1007Trp).